The following is an entry in ClinVar:

ClinVar aggregate classification (germline): Uncertain significance. Review status: criteria provided, multiple submitters, no conflicts (2 of 4 stars). 8 submissions from 8 submitters: Uncertain significance (8). Last evaluated 2025-09-22.

Conditions:
Marfan syndrome (MFS). Also called: Marfan syndrome, classic; Marfan syndrome type 1; Marfan's syndrome; FBN1-Related Marfan Syndrome; MARFAN SYNDROME, TYPE I. Identifiers: Orphanet 284963, Orphanet 558, MedGen C0024796, MONDO:0007947, OMIM 154700.
Weill-Marchesani syndrome 2, dominant. Also called: FBN1-Related Weill-Marchesani Syndrome; Weill-Marchesani Syndrome, Autosomal Dominant. Identifiers: Orphanet 2084, MedGen C1869115, MONDO:0012013, OMIM 608328.
Progeroid and marfanoid aspect-lipodystrophy syndrome. Also called: MARFANOID-PROGEROID SYNDROME; MARFAN-PROGEROID-LIPODYSTROPHY SYNDROME; Marfan lipodystrophy syndrome; MARFANOID-PROGEROID-LIPODYSTROPHY SYNDROME. Identifiers: Orphanet 300382, MedGen C4310796, MONDO:0014831, OMIM 616914.
Acromicric dysplasia (ACMICD). Also called: Acromicric skeletal dysplasia. Identifiers: Orphanet 969, MedGen C0265287, MONDO:0007055, OMIM 102370.
Ectopia lentis 1, isolated, autosomal dominant (ECTOL1). Identifiers: Orphanet 1885, MedGen C3541518, MONDO:0007514, OMIM 129600.
Geleophysic dysplasia 2 (GPHYSD2). Identifiers: Orphanet 2623, MedGen C3280054, MONDO:0013612, OMIM 614185.
MASS syndrome (OCTD). Also called: OVERLAP CONNECTIVE TISSUE DISEASE; MASS PHENOTYPE. Identifiers: MedGen C1858556, MONDO:0011431, OMIM 604308.
Stiff skin syndrome (SSKS). Identifiers: Orphanet 2833, MedGen C1861456, MONDO:0008492, OMIM 184900.
Familial thoracic aortic aneurysm and aortic dissection (TAAD). Also called: Thoracic aortic aneurysms and dissections. Identifiers: Orphanet 91387, MedGen C4707243, MONDO:0019625.

Allele frequency attached by ClinVar (database versions not stated): gnomAD exomes 0.00001 and 0.00002; ExAC 0.00001; gnomAD 0.00001; TOPMed 0.00001.
gnomAD v4.1: 32 of 1,613,846 alleles (0.002%); highest among the groups gnomAD compares: Non-Finnish European, 0.0025%; no homozygotes.

Submissions (8):

Labcorp Genetics (formerly Invitae), Labcorp
Classification: Uncertain significance for Marfan syndrome; Familial thoracic aortic aneurysm and aortic dissection. Last evaluated: 2025-09-22. Review status: criteria provided, single submitter. Criteria: Invitae Variant Classification Sherloc (09022015). Collection method: clinical testing. Allele origin: germline.
Comment: This sequence change replaces glutamic acid, which is acidic and polar, with glycine, which is neutral and non-polar, at codon 2846 of the FBN1 protein (p.Glu2846Gly). This variant is present in population databases (rs754570125, gnomAD 0.003%). This variant has not been reported in the literature in individuals affected with FBN1-related conditions. ClinVar contains an entry for this variant (Variation ID: 922383). Invitae Evidence Modeling of protein sequence and biophysical properties (such as structural, functional, and spatial information, amino acid conservation, physicochemical variation, residue mobility, and thermodynamic stability) has been performed for this missense variant. However, the output from this modeling did not meet the statistical confidence thresholds required to predict the impact of this variant on FBN1 protein function. In summary, the available evidence is currently insufficient to determine the role of this variant in disease. Therefore, it has been classified as a Variant of Uncertain Significance.

Ambry Genetics
Classification: Uncertain significance for Familial thoracic aortic aneurysm and aortic dissection. Last evaluated: 2025-01-21. Review status: criteria provided, single submitter. Criteria: Ambry Variant Classification Scheme 2023. Collection method: clinical testing. Allele origin: germline.
Comment: The p.E2846G variant (also known as c.8537A>G), located in coding exon 65 of the FBN1 gene, results from an A to G substitution at nucleotide position 8537. The glutamic acid at codon 2846 is replaced by glycine, an amino acid with similar properties. This amino acid position is well conserved in available vertebrate species. In addition, the in silico prediction for this alteration is inconclusive. Since supporting evidence is limited at this time, the clinical significance of this alteration remains unclear.

All of Us Research Program, National Institutes of Health
Classification: Uncertain significance for Marfan syndrome. Last evaluated: 2024-04-16. Review status: criteria provided, single submitter. Criteria: ACMG Guidelines, 2015. Collection method: clinical testing. Allele origin: germline. Inheritance: Autosomal dominant inheritance. Observed: 10 variant alleles, 10 heterozygotes.
Comment: This missense variant replaces glutamic acid with glycine at codon 2846 of the FBN1 protein. Computational prediction tools and conservation analyses are inconclusive regarding the impact of this variant on protein structure and function. Splice site prediction tools suggest that this variant may not impact RNA splicing. To our knowledge, functional studies have not been performed for this variant. This variant has not been reported in individuals affected with cardiovascular disorders in the literature. This variant has been identified in 2/251184 chromosomes in the general population by the Genome Aggregation Database (gnomAD). The available evidence is insufficient to determine the role of this variant in disease conclusively. Therefore, this variant is classified as a Variant of Uncertain Significance.

This study involves interpretation of variants in research participants for the purpose of population health screening. Participant phenotype was not available at the time of variant classification. Additional details can be found in publication PMID: 35346344, PMCID: PMC8962531

Color Diagnostics, LLC DBA Color Health
Classification: Uncertain significance for Familial thoracic aortic aneurysm and aortic dissection. Last evaluated: 2024-03-06. Review status: criteria provided, single submitter. Criteria: ACMG Guidelines, 2015. Collection method: clinical testing. Allele origin: germline.
Comment: This missense variant replaces glutamic acid with glycine at codon 2846 of the FBN1 protein. Computational prediction is inconclusive regarding the impact of this variant on protein structure and function (internally defined REVEL score threshold 0.5 < inconclusive < 0.7, PMID: 27666373). To our knowledge, functional studies have not been reported for this variant. This variant has not been reported in individuals affected with FBN1-related disorders in the literature. This variant has been identified in 2/251184 chromosomes in the general population by the Genome Aggregation Database (gnomAD). The available evidence is insufficient to determine the role of this variant in disease conclusively. Therefore, this variant is classified as a Variant of Uncertain Significance.

Blueprint Genetics
Classification: Uncertain significance. Last evaluated: 2023-09-11. Review status: criteria provided, single submitter. Criteria: ACMG Guidelines, 2015. Collection method: clinical testing. Allele origin: germline.

Mayo Clinic Laboratories, Mayo Clinic
Classification: Uncertain significance. Last evaluated: 2022-04-19. Review status: criteria provided, single submitter. Criteria: ACMG Guidelines, 2015. Collection method: clinical testing. Allele origin: germline. Observed: 1 variant allele.

Fulgent Genetics
Classification: Uncertain significance for Acromicric dysplasia; Ectopia lentis 1, isolated, autosomal dominant; Marfan syndrome; Stiff skin syndrome; MASS syndrome; Weill-Marchesani syndrome 2, dominant; Geleophysic dysplasia 2; Progeroid and marfanoid aspect-lipodystrophy syndrome. Last evaluated: 2021-07-20. Review status: criteria provided, single submitter. Criteria: ACMG Guidelines, 2015. Collection method: clinical testing. Allele origin: unknown.

GeneDx
Classification: Uncertain significance. Last evaluated: 2021-06-11. Review status: criteria provided, single submitter. Criteria: GeneDx Variant Classification Process June 2021. Collection method: clinical testing. Allele origin: germline. Affected: yes.
Comment: Has not been previously published as pathogenic or benign to our knowledge; Reported in ClinVar as a variant of uncertain significance (ClinVar Variant ID# 922383; Landrum et al., 2016); Not observed at significant frequency in large population cohorts (Lek et al., 2016); In silico analysis supports that this missense variant has a deleterious effect on protein structure/function; Does not affect a cysteine residue within a calcium-binding EGF-like domain of the FBN1 gene; cysteine substitutions in the calcium-binding EGF-like domains represent the majority of pathogenic missense changes associated with FBN1-related disorders (Collod-Beroud et al., 2003); This variant is associated with the following publications: (PMID: 26582918, 12938084, 27535533)

NM_000138.5(FBN1):c.8537A>G (p.Glu2846Gly)

Gene: FBN1 (fibrillin 1; minus strand). Cytogenetic location: 15q21.1.
Variant type: single nucleotide variant.
Coding change: c.8537A>G on transcript NM_000138.5 (MANE Select); coding-DNA position 8537, A replaced by G.
Protein change: p.Glu2846Gly; replaces glutamic acid 2846 with glycine.
Molecular consequence: missense variant.
Genome position (GRCh38, 1-based): chr15:48,411,069, T>C on the plus strand (A>G on the coding strand, the complement: FBN1 is on the minus strand). VCF-style: chr15-48411069-T-C. GRCh37 (hg19) VCF-style: chr15-48703266-T-C.
Other names: p.Glu2846Gly; short protein forms E2846G.
Identifiers: ClinVar variation 922383 (VCV000922383.19), dbSNP rs754570125, ClinGen allele CA060149.
Genomic context (GRCh38, chr15:48,411,069, plus strand): 5'-ATTTTCATCTTCAGATTATCACCCAGTTCACCACTGAGGTAGTCTTTGTCATATTTGTCT[T>C]CTAGTTGGTTAAGTTCTTTCTTTTTATAAAGTGGAGTACTACTGATTTGTAATGAATAGG-3'
Protein context (NP_000129.3, residues 2836-2856): LYKKKELNQL[Glu2846Gly]DKYDKDYLSG